The following is an entry in ClinVar:

NM_001330260.2(SCN8A):c.3724A>G (p.Ile1242Val)

Gene: SCN8A (sodium voltage-gated channel alpha subunit 8; plus strand). Cytogenetic location: 12q13.13.
Variant type: single nucleotide variant.
Coding change: c.3724A>G on transcript NM_001330260.2 (MANE Select); coding-DNA position 3724, A replaced by G.
Protein change: p.Ile1242Val; replaces isoleucine 1242 with valine.
Molecular consequence: missense variant.
Genome position (GRCh38, 1-based): chr12:51,774,267, A>G. VCF-style: chr12-51774267-A-G. GRCh37 (hg19) VCF-style: chr12-52168051-A-G.
Other names: c.3724A>G, p.Ile1242Val (NM_001177984.3, NM_001369788.1, NM_014191.4); c.3724A>G (NM_014191.3); short protein forms I1242V.
Identifiers: ClinVar variation 1896716 (VCV001896716.6), dbSNP rs2138879063, ClinGen allele CA384899169.
Genomic context (GRCh38, chr12:51,774,267, plus strand): 5'-ATTGAGCAGAGAAAGACCATCCGCACCATCCTGGAATATGCTGACAAAGTCTTCACCTAT[A>G]TCTTCATCCTGGAGATGTTGCTCAAGTGGACAGCCTATGGCTTCGTCAAGTTCTTCACCA-3'
Protein context (NP_001317189.1, residues 1232-1252): LEYADKVFTY[Ile1242Val]FILEMLLKWT

ClinVar aggregate classification (germline): Uncertain significance. Review status: criteria provided, multiple submitters, no conflicts (2 of 4 stars). 2 submissions from 2 submitters: Uncertain significance (2). Last evaluated 2025-11-27.

Conditions:
Early-infantile DEE. Also called: Early infantile epileptic encephalopathy with suppression bursts; Early infantile epileptic encephalopathy; Ohtahara syndrome. Identifiers: Orphanet 1934, MedGen C0393706, MONDO:0800491.

Allele frequency attached by ClinVar (database versions not stated): gnomAD exomes below 0.00001.
gnomAD v4.1: 3 of 1,614,134 alleles (0.00019%); highest among the groups gnomAD compares: East Asian, 0.0022%; no homozygotes.

Submissions (2):

Labcorp Genetics (formerly Invitae), Labcorp
Classification: Uncertain significance for Early-infantile DEE. Last evaluated: 2025-11-27. Review status: criteria provided, single submitter. Criteria: Invitae Variant Classification Sherloc (09022015). Collection method: clinical testing. Allele origin: germline.
Comment: This sequence change replaces isoleucine, which is neutral and non-polar, with valine, which is neutral and non-polar, at codon 1242 of the SCN8A protein (p.Ile1242Val). This variant is not present in population databases (gnomAD no frequency). This variant has not been reported in the literature in individuals affected with SCN8A-related conditions. ClinVar contains an entry for this variant (Variation ID: 1896716). Invitae Evidence Modeling of protein sequence and biophysical properties (such as structural, functional, and spatial information, amino acid conservation, physicochemical variation, residue mobility, and thermodynamic stability) indicates that this missense variant is not expected to disrupt SCN8A protein function with a negative predictive value of 95%. In summary, the available evidence is currently insufficient to determine the role of this variant in disease. Therefore, it has been classified as a Variant of Uncertain Significance.

GeneDx
Classification: Uncertain significance. Last evaluated: 2023-02-03. Review status: criteria provided, single submitter. Criteria: GeneDx Variant Classification Process June 2021. Collection method: clinical testing. Allele origin: germline. Affected: yes.
Comment: Not observed at significant frequency in large population cohorts (gnomAD); Missense variants in this gene are often considered pathogenic (HGMD); In silico analysis supports that this missense variant does not alter protein structure/function; Has not been previously published as pathogenic or benign to our knowledge; This substitution is predicted to be within the transmembrane segment S2 of the third homologous domain.